The following is an entry in ClinVar:

ClinVar aggregate classification (germline): Uncertain significance. Review status: criteria provided, single submitter (1 of 4 stars). 2 submissions from 2 submitters: Uncertain significance (1). 1 of the submissions does not count toward it. Last evaluated 2025-02-26.

Conditions:
KSR2-related disorder. Also called: KSR2-related condition.

Allele frequency attached by ClinVar (database versions not stated): ExAC 0.00008; gnomAD 0.00008; TOPMed 0.00009.
gnomAD v4.1: 53 of 1,613,458 alleles (0.0033%); highest among the groups gnomAD compares: Middle Eastern, 0.066%; no homozygotes.

Submissions (2):

Ambry Genetics
Classification: Uncertain significance. Last evaluated: 2025-02-26. Review status: criteria provided, single submitter. Criteria: Ambry Variant Classification Scheme 2023. Collection method: clinical testing. Allele origin: germline.

PreventionGenetics, part of Exact Sciences
Classification: Uncertain significance for KSR2-related condition. Last evaluated: 2024-02-26. Review status: no assertion criteria provided. Collection method: clinical testing. Allele origin: germline. Not counted in ClinVar's aggregate classification.
Comment: The KSR2 c.1697C>T variant is predicted to result in the amino acid substitution p.Pro566Leu. To our knowledge, this variant has not been reported in the literature. This variant is reported in 0.017% of alleles in individuals of African descent in gnomAD. Although we suspect that this variant may be benign, at this time, the clinical significance of this variant is uncertain due to the absence of conclusive functional and genetic evidence.

NM_173598.6(KSR2):c.1784C>T (p.Pro595Leu)

Gene: KSR2 (kinase suppressor of ras 2; minus strand). Cytogenetic location: 12q24.22.
Variant type: single nucleotide variant.
Coding change: c.1784C>T on transcript NM_173598.6 (MANE Select); coding-DNA position 1784, C replaced by T.
Protein change: p.Pro595Leu; replaces proline 595 with leucine.
Molecular consequence: missense variant.
Genome position (GRCh38, 1-based): chr12:117,530,959, G>A on the plus strand (C>T on the coding strand, the complement: KSR2 is on the minus strand). VCF-style: chr12-117530959-G-A. GRCh37 (hg19) VCF-style: chr12-117968764-G-A.
Other names: short protein forms P595L.
Identifiers: ClinVar variation 2303107 (VCV002303107.6), dbSNP rs747557790, ClinGen allele CA6815907.